The following is an entry in ClinVar:

ClinVar aggregate classification (germline): Likely benign. Review status: criteria provided, multiple submitters, no conflicts (2 of 4 stars). 3 submissions from 3 submitters: Likely benign (2). 1 of the submissions does not count toward it. Last evaluated 2025-06-20.

Conditions:
Hereditary cancer-predisposing syndrome. Also called: Tumor predisposition; Neoplastic Syndromes, Hereditary; Hereditary Cancer Syndrome; Hereditary neoplastic syndrome. Identifiers: Orphanet 140162, MedGen C0027672, MeSH D009386, MONDO:0015356.
ATM-related disorder. Also called: ATM-related disorders; ATM-related condition.
Ataxia-telangiectasia syndrome (AT). Also called: LOUIS-BAR SYNDROME; Cerebello-oculocutaneous telangiectasia; Immunodeficiency with ataxia telangiectasia; Ataxia telangiectasia (A-T); Ataxia-telangiectasia, complementation group D; AT, COMPLEMENTATION GROUP C. Identifiers: Orphanet 100, MedGen C0004135, MONDO:0008840, OMIM 208900.

Allele frequency attached by ClinVar (database versions not stated): TOPMed below 0.00001; gnomAD exomes below 0.00001.
gnomAD v4.1: 1 of 1,596,946 alleles (0.000063%); highest among the groups gnomAD compares: Non-Finnish European, 0.000086%; no homozygotes.

Submissions (3):

Ambry Genetics
Classification: Likely benign for Hereditary cancer-predisposing syndrome. Last evaluated: 2025-06-20. Review status: criteria provided, single submitter. Criteria: Ambry Variant Classification Scheme 2023. Collection method: clinical testing. Allele origin: germline.

Labcorp Genetics (formerly Invitae), Labcorp
Classification: Likely benign for Ataxia-telangiectasia syndrome. Last evaluated: 2023-11-24. Review status: criteria provided, single submitter. Criteria: Invitae Variant Classification Sherloc (09022015). Collection method: clinical testing. Allele origin: germline.

PreventionGenetics, part of Exact Sciences
Classification: Likely benign for ATM-related condition. Last evaluated: 2024-07-12. Review status: no assertion criteria provided. Collection method: clinical testing. Allele origin: germline. Not counted in ClinVar's aggregate classification.
Comment: This variant is classified as likely benign based on ACMG/AMP sequence variant interpretation guidelines (Richards et al. 2015 PMID: 25741868, with internal and published modifications).

NM_000051.4(ATM):c.5952A>G (p.Thr1984=)

Genes: ATM (ATM serine/threonine kinase; plus strand), C11orf65 (chromosome 11 open reading frame 65; minus strand). Cytogenetic location: 11q22.3.
Variant type: single nucleotide variant.
Coding change: c.5952A>G on transcript NM_000051.4 (MANE Select); coding-DNA position 5952, A replaced by G.
Protein change: p.Thr1984=; no amino-acid change (threonine 1984 retained).
Molecular consequence: synonymous variant. On other transcripts: intron variant (2).
Genome position (GRCh38, 1-based): chr11:108,312,444, A>G. VCF-style: chr11-108312444-A-G. GRCh37 (hg19) VCF-style: chr11-108183171-A-G.
Other names: c.5952A>G, p.Thr1984= (NM_001351834.2); c.641-3373T>C (NM_001330368.2); c.*39-3373T>C (NM_001351110.2).
Identifiers: ClinVar variation 2843581 (VCV002843581.5), dbSNP rs2084245699, ClinGen allele CA476675539.